The following is an entry in ClinVar:

NM_001363540.2(DOCK4):c.3030C>T (p.Leu1010=)

Genes: DOCK4 (dedicator of cytokinesis 4; minus strand), DOCK4-AS1 (DOCK4 antisense RNA 1; plus strand). Cytogenetic location: 7q31.1.
Variant type: single nucleotide variant.
Coding change: c.3030C>T on transcript NM_001363540.2 (MANE Select); coding-DNA position 3030, C replaced by T.
Protein change: p.Leu1010=; no amino-acid change (leucine 1010 retained).
Molecular consequence: synonymous variant.
Genome position (GRCh38, 1-based): chr7:111,809,378, G>A on the plus strand (C>T on the coding strand, the complement: DOCK4 is on the minus strand). VCF-style: chr7-111809378-G-A. GRCh37 (hg19) VCF-style: chr7-111449434-G-A.
Other names: c.3030C>T, p.Leu1010= (NM_014705.4).
Identifiers: ClinVar variation 736037 (VCV000736037.5), dbSNP rs376394079, ClinGen allele CA4442002.

ClinVar aggregate classification (germline): Likely benign. Review status: criteria provided, multiple submitters, no conflicts (2 of 4 stars). 3 submissions from 3 submitters: Likely benign (3). Last evaluated 2026-08-01.

Allele frequency attached by ClinVar (database versions not stated): gnomAD 0.00005 and 0.00008; ExAC 0.00011; gnomAD exomes 0.00012 and 0.00013; ESP Exome Variant Server 0.00017; TOPMed 0.00017.
gnomAD v4.1: 192 of 1,563,542 alleles (0.012%); highest among the groups gnomAD compares: South Asian, 0.037%; no homozygotes.

Submissions (3):

CeGaT Center for Human Genetics Tuebingen
Classification: Likely benign. Last evaluated: 2026-08-01. Review status: criteria provided, single submitter. Criteria: CeGaT Center For Human Genetics Tuebingen Variant Classification Criteria Version 2. Collection method: clinical testing. Allele origin: germline. Affected: yes. Observed: 1 variant allele.
Comment: DOCK4: BP4, BP7

Labcorp Genetics (formerly Invitae), Labcorp
Classification: Likely benign. Last evaluated: 2018-04-04. Review status: criteria provided, single submitter. Criteria: Invitae Variant Classification Sherloc (09022015). Collection method: clinical testing. Allele origin: germline.

Breakthrough Genomics
Classification: Likely benign. Review status: criteria provided, single submitter. Criteria: ACMG Guidelines, 2015. Collection method: not provided. Allele origin: germline. Inheritance: Unknown mechanism. Affected: yes.